The following is an entry in ClinVar:

ClinVar aggregate classification (germline): Uncertain significance (1 of 4 stars; one submission).

Allele frequency attached by ClinVar (database versions not stated): gnomAD exomes below 0.00001.
gnomAD v4.1: 1 of 1,613,840 alleles (0.000062%); highest among the groups gnomAD compares: East Asian, 0.0022%; no homozygotes.

Submission:

Labcorp Genetics (formerly Invitae), Labcorp
Classification: Uncertain significance. Last evaluated: 2022-03-19. Review status: criteria provided, single submitter. Criteria: Invitae Variant Classification Sherloc (09022015). Collection method: clinical testing. Allele origin: germline.
Comment: This sequence change replaces glutamine, which is neutral and polar, with histidine, which is basic and polar, at codon 1702 of the MPDZ protein (p.Gln1702His). This variant is not present in population databases (gnomAD no frequency). This variant has not been reported in the literature in individuals affected with MPDZ-related conditions. Algorithms developed to predict the effect of missense changes on protein structure and function are either unavailable or do not agree on the potential impact of this missense change (SIFT: "Deleterious"; PolyPhen-2: "Benign"; Align-GVGD: "Class C15"). In summary, the available evidence is currently insufficient to determine the role of this variant in disease. Therefore, it has been classified as a Variant of Uncertain Significance.

NM_001378778.1(MPDZ):c.5106G>T (p.Gln1702His)

Gene: MPDZ (multiple PDZ domain crumbs cell polarity complex component; minus strand). Cytogenetic location: 9p23.
Variant type: single nucleotide variant.
Coding change: c.5106G>T on transcript NM_001378778.1 (MANE Select); coding-DNA position 5106, G replaced by T.
Protein change: p.Gln1702His; replaces glutamine 1702 with histidine.
Molecular consequence: missense variant.
Genome position (GRCh38, 1-based): chr9:13,121,864, C>A on the plus strand (G>T on the coding strand, the complement: MPDZ is on the minus strand). VCF-style: chr9-13121864-C-A. GRCh37 (hg19) VCF-style: chr9-13121863-C-A.
Other names: c.5007G>T, p.Gln1669His (NM_001261406.2, NM_001261407.2, NM_001375416.1 and 3 more transcripts); c.5106G>T, p.Gln1702His (NM_001330637.2, NM_003829.5); c.5205G>T, p.Gln1735His (NM_001375413.1); c.4896G>T, p.Gln1632His (NM_001375420.1, NM_001375421.1, NM_001375422.1 and 4 more transcripts); c.4698G>T, p.Gln1566His (NM_001375427.1); short protein forms Q1632H, Q1702H, Q1669H, Q1735H, Q1566H.
Identifiers: ClinVar variation 1989677 (VCV001989677.4), dbSNP rs959095849, ClinGen allele CA372944358.
Genomic context (GRCh38, chr9:13,121,864, plus strand): 5'-GTCACACACTTCCTCCTCTTTGTATGGGGCCTCATCTCTGTAGAGTGTCAGGCGCACTCT[C>A]TGTGGCGTCTGTCTCAGGACATTGATTGCTTCATCATGTGTGGCCTTTCTCAAGTCAATT-3'
Protein context (NP_001365707.1, residues 1692-1712): EAINVLRQTP[Gln1702His]RVRLTLYRDE